The following is an entry in ClinVar:

ClinVar aggregate classification (germline): Uncertain significance (1 of 4 stars; one submission).

Submission:

CeGaT Center for Human Genetics Tuebingen
Classification: Uncertain significance. Last evaluated: 2026-05-01. Review status: criteria provided, single submitter. Criteria: CeGaT Center For Human Genetics Tuebingen Variant Classification Criteria Version 2. Collection method: clinical testing. Allele origin: germline. Affected: yes. Observed: 1 variant allele.
Comment: CTCF: PM2, PP2

NM_006565.4(CTCF):c.754C>A (p.Pro252Thr)

Gene: CTCF (CCCTC-binding factor; plus strand). Cytogenetic location: 16q22.1.
Variant type: single nucleotide variant.
Coding change: c.754C>A on transcript NM_006565.4 (MANE Select); coding-DNA position 754, C replaced by A.
Protein change: p.Pro252Thr; replaces proline 252 with threonine.
Molecular consequence: missense variant. On other transcripts: intron variant (1).
Genome position (GRCh38, 1-based): chr16:67,611,586, C>A. VCF-style: chr16-67611586-C-A. GRCh37 (hg19) VCF-style: chr16-67645489-C-A.
Other names: c.754C>A, p.Pro252Thr (NM_001363916.2, NM_001438968.1, NM_001438969.1); c.-32-5159C>A (NM_001191022.2); short protein forms P252T.
Identifiers: ClinVar variation 4874799 (VCV004874799.2).